The following is an entry in ClinVar:

ClinVar aggregate classification (germline): Uncertain significance. Review status: criteria provided, multiple submitters, no conflicts (2 of 4 stars). 3 submissions from 3 submitters: Uncertain significance (2). 1 of the submissions does not count toward it. Last evaluated 2021-09-01.

Conditions:
DOCK8-related disorder. Also called: DOCK8-related condition.
Combined immunodeficiency due to DOCK8 deficiency (HIES2). Also called: HYPER-IgE SYNDROME 2, AUTOSOMAL RECESSIVE, WITH RECURRENT INFECTIONS; Hyper-IgE recurrent infection syndrome, autosomal recessive; HYPER-IgE RECURRENT INFECTION SYNDROME 2, AUTOSOMAL RECESSIVE; HIES autosomal recessive; DOCK8 Deficiency. Identifiers: Orphanet 217390, MedGen C4722305, MONDO:0009478, OMIM 243700.

Allele frequency attached by ClinVar (database versions not stated): gnomAD 0.00001; TOPMed 0.00001; ExAC 0.00002; ESP Exome Variant Server 0.00008.
gnomAD v4.1: 9 of 1,614,000 alleles (0.00056%); highest among the groups gnomAD compares: Non-Finnish European, 0.00059%; no homozygotes.

Submissions (3):

Labcorp Genetics (formerly Invitae), Labcorp
Classification: Uncertain significance for Combined immunodeficiency due to DOCK8 deficiency. Last evaluated: 2021-09-01. Review status: criteria provided, single submitter. Criteria: Invitae Variant Classification Sherloc (09022015). Collection method: clinical testing. Allele origin: germline.
Comment: This sequence change replaces tryptophan with serine at codon 1302 of the DOCK8 protein (p.Trp1302Ser). The tryptophan residue is highly conserved and there is a large physicochemical difference between tryptophan and serine. This variant is present in population databases (rs149116813, ExAC 0.003%). This variant has not been reported in the literature in individuals affected with DOCK8-related conditions. Algorithms developed to predict the effect of missense changes on protein structure and function (SIFT, PolyPhen-2, Align-GVGD) all suggest that this variant is likely to be disruptive. In summary, the available evidence is currently insufficient to determine the role of this variant in disease. Therefore, it has been classified as a Variant of Uncertain Significance.

Blueprint Genetics
Classification: Uncertain significance. Last evaluated: 2021-05-24. Review status: criteria provided, single submitter. Criteria: ACMG Guidelines, 2015. Collection method: clinical testing. Allele origin: germline.

PreventionGenetics, part of Exact Sciences
Classification: Uncertain significance for DOCK8-related condition. Last evaluated: 2024-02-09. Review status: no assertion criteria provided. Collection method: clinical testing. Allele origin: germline. Not counted in ClinVar's aggregate classification.
Comment: The DOCK8 c.3905G>C variant is predicted to result in the amino acid substitution p.Trp1302Ser. To our knowledge, this variant has not been reported in the literature. This variant is reported in 0.0018% of alleles in individuals of European (Non-Finnish) descent in gnomAD. At this time, the clinical significance of this variant is uncertain due to the absence of conclusive functional and genetic evidence.

NM_203447.4(DOCK8):c.3905G>C (p.Trp1302Ser)

Gene: DOCK8 (dedicator of cytokinesis 8; plus strand). Cytogenetic location: 9p24.3.
Variant type: single nucleotide variant.
Coding change: c.3905G>C on transcript NM_203447.4 (MANE Select); coding-DNA position 3905, G replaced by C.
Protein change: p.Trp1302Ser; replaces tryptophan 1302 with serine.
Molecular consequence: missense variant.
Genome position (GRCh38, 1-based): chr9:420,465, G>C. VCF-style: chr9-420465-G-C. GRCh37 (hg19) VCF-style: chr9-420465-G-C.
Other names: c.3605G>C, p.Trp1202Ser (NM_001190458.2); c.3701G>C, p.Trp1234Ser (NM_001193536.2); c.3905G>C (NM_203447.3); short protein forms W1234S, W1202S, W1302S.
Identifiers: ClinVar variation 1440121 (VCV001440121.8), dbSNP rs149116813, ClinGen allele CA4958869.
Genomic context (GRCh38, chr9:420,465, plus strand): 5'-ATAAGCAGTACAACATGCTGAACGCGGACACTACTCGCAACCTCATGATCTGCTTCCTCT[G>C]GATCATGAAAAATGCTGATCAGAGCCTCATTAGGAAGTGGATTGCTGACCTGCCATCAAC-3'
Protein context (NP_982272.2, residues 1292-1312): TTRNLMICFL[Trp1302Ser]IMKNADQSLI